The following is an entry in ClinVar:

ClinVar aggregate classification (germline): Pathogenic (1 of 4 stars; one submission).

Conditions:
Hereditary breast ovarian cancer syndrome. Also called: Hereditary breast and ovarian cancer; Hereditary breast and/or ovarian cancer syndrome; Breast and ovarian cancer; BRCA1- and BRCA2-Associated Hereditary Breast and Ovarian Cancer; Hereditary breast and ovarian cancer syndrome; Hereditary breast and ovarian cancer syndrome (HBOC). Identifiers: Orphanet 145, MedGen C0677776, MeSH D061325, MONDO:0003582. Disease mechanism: loss of function.

Submission:

Labcorp Genetics (formerly Invitae), Labcorp
Classification: Pathogenic for Hereditary breast ovarian cancer syndrome. Last evaluated: 2018-11-10. Review status: criteria provided, single submitter. Criteria: Invitae Variant Classification Sherloc (09022015). Collection method: clinical testing. Allele origin: germline.
Comment: This variant is expected to delete the portion of the C-terminal region of the BRCA2 protein containing the RAD51-binding domain (residues Ala3270-Gly3305) (PMID: 17515903). Although experimental studies have not been performed for this particular variant, BRCA2 interaction with RAD51 mediates homologous recombination during the repair of double-strand DNA breaks (PMID: 17515903). In addition, truncating variants (p.Tyr3225Ilefs*30,¬†p.Tyr3308*) located in the last exon have been determined to be pathogenic (PMID:¬†12065746,¬†17026620, 18593900, 18607349, 22711857, Invitae). This suggests that deletion of this region of the BRCA2 protein is causative of disease. For these reasons, this variant has been classified as Pathogenic. Deletion of exons 20-27 has not been reported in the literature in individuals with BRCA2-related disease. This variant is a gross deletion of the genomic region encompassing exons 20-27 of the BRCA2 gene. The 5' boundary is likely confined to intron 19. The 3' end of this event is unknown as it extends through the termination codon beyond the assayed region for this gene and may encompass additional genes. While this deletion is not anticipated to result in nonsense mediated decay, it is expected to create a truncated protein product or disrupt mRNA translation.

Literature cited by the submitters: PubMed 17515903.

NC_000013.11:g.(?_32370936)_(32398790_?)del

Genes: BRCA2 (BRCA2 DNA repair associated; plus strand), LOC112163653 (Sharpr-MPRA regulatory region 1962; plus strand), LOC130009524 (ATAC-STARR-seq lymphoblastoid active region 7555; plus strand). Cytogenetic location: 13q13.1.
Variant type: Deletion.
Identifiers: ClinVar variation 655215 (VCV000655215.9).